The following is an entry in ClinVar:

ClinVar aggregate classification (germline): Likely pathogenic. Review status: criteria provided, multiple submitters, no conflicts (2 of 4 stars). 3 submissions from 3 submitters: Likely pathogenic (3). Last evaluated 2024-06-18.

Conditions:
Leber congenital amaurosis (LCA). Also called: Leber's amaurosis. Identifiers: Orphanet 65, MedGen C0339527, MeSH D057130, MONDO:0018998.
Retinitis pigmentosa 12 (RP12). Also called: RP WITH OR WITHOUT PPRPE; RP WITH OR WITHOUT PRESERVED PARAARTERIOLE RETINAL PIGMENT EPITHELIUM; RETINITIS PIGMENTOSA WITH OR WITHOUT PARAARTERIOLAR PRESERVATION OF RETINAL PIGMENT EPITHELIUM. Identifiers: Orphanet 791, MedGen C1838647, MONDO:0010818, OMIM 600105.
Leber congenital amaurosis 8 (LCA8). Identifiers: Orphanet 65, MedGen C3151202, MONDO:0013453, OMIM 613835.

Allele frequency attached by ClinVar (database versions not stated): gnomAD exomes below 0.00001.
gnomAD v4.1: 2 of 1,611,478 alleles (0.00012%); highest among the groups gnomAD compares: South Asian, 0.0011%; no homozygotes.

Submissions (3):

Natera, Inc.
Classification: Likely pathogenic for Leber congenital amaurosis. Last evaluated: 2024-06-18. Review status: criteria provided, single submitter. Criteria: Natera Variant Classification Schema (03/2026). Collection method: clinical testing. Allele origin: germline.
Comment: The c.2843-1G>T variant in CRB1 is a canonical splice acceptor site variant predicted to affect pre-mRNA splicing, which may result in an abnormal transcript and altered protein product. This variant is expected to result in nonsense mediated decay, truncation, or a dysfunctional protein product. This variant is rare in the general population with a frequency below the threshold expected for the associated phenotype(s). Given the available evidence, this variant is classified as Likely Pathogenic.

Baylor Genetics
Classification: Likely pathogenic for Leber congenital amaurosis 8. Last evaluated: 2023-02-17. Review status: criteria provided, single submitter. Criteria: ACMG Guidelines, 2015. Collection method: clinical testing. Allele origin: unknown.

Labcorp Genetics (formerly Invitae), Labcorp
Classification: Likely pathogenic for Leber congenital amaurosis 8; Retinitis pigmentosa 12. Last evaluated: 2022-04-26. Review status: criteria provided, single submitter. Criteria: Invitae Variant Classification Sherloc (09022015). Collection method: clinical testing. Allele origin: germline.
Comment: This variant is not present in population databases (gnomAD no frequency). In summary, the currently available evidence indicates that the variant is pathogenic, but additional data are needed to prove that conclusively. Therefore, this variant has been classified as Likely Pathogenic. Algorithms developed to predict the effect of sequence changes on RNA splicing suggest that this variant may disrupt the consensus splice site. ClinVar contains an entry for this variant (Variation ID: 953820). Disruption of this splice site has been observed in individual(s) with CRB1-related conditions (PMID: 27208204). This sequence change affects an acceptor splice site in intron 8 of the CRB1 gene. It is expected to disrupt RNA splicing. Variants that disrupt the donor or acceptor splice site typically lead to a loss of protein function (PMID: 16199547), and loss-of-function variants in CRB1 are known to be pathogenic (PMID: 10508521, 22065545, 23379534, 25412400, 26957898, 28041643, 29391521).

Literature cited by the submitters: PubMed 27208204 (cited by Labcorp Genetics (formerly Invitae), Labcorp); PubMed 16199547 (cited by Labcorp Genetics (formerly Invitae), Labcorp); PubMed 10508521 (cited by Labcorp Genetics (formerly Invitae), Labcorp); PubMed 22065545 (cited by Labcorp Genetics (formerly Invitae), Labcorp); PubMed 23379534 (cited by Labcorp Genetics (formerly Invitae), Labcorp); PubMed 25412400 (cited by Labcorp Genetics (formerly Invitae), Labcorp); PubMed 26957898 (cited by Labcorp Genetics (formerly Invitae), Labcorp); PubMed 28041643 (cited by Labcorp Genetics (formerly Invitae), Labcorp); PubMed 29391521 (cited by Labcorp Genetics (formerly Invitae), Labcorp).

NM_201253.3(CRB1):c.2843-1G>T

Gene: CRB1 (crumbs cell polarity complex component 1; plus strand). Cytogenetic location: 1q31.3.
Variant type: single nucleotide variant.
Coding change: c.2843-1G>T on transcript NM_201253.3 (MANE Select); the canonical splice acceptor site of the intron before coding-DNA position 2843, G replaced by T.
Molecular consequence: splice acceptor variant. On other transcripts: intron variant (1).
Genome position (GRCh38, 1-based): chr1:197,434,705, G>T. VCF-style: chr1-197434705-G-T. GRCh37 (hg19) VCF-style: chr1-197403835-G-T.
Other names: c.2771-1G>T (NM_001257965.2); c.2129-895G>T (NM_001257966.2); c.2507-1G>T (NM_001193640.2).
Identifiers: ClinVar variation 953820 (VCV000953820.13), dbSNP rs878853368, ClinGen allele CA344042909.